The following is an entry in ClinVar:

NM_000540.3(RYR1):c.10861C>T (p.His3621Tyr)

Gene: RYR1 (ryanodine receptor 1; plus strand). Cytogenetic location: 19q13.2.
Variant type: single nucleotide variant.
Coding change: c.10861C>T on transcript NM_000540.3 (MANE Select); coding-DNA position 10861, C replaced by T.
Protein change: p.His3621Tyr; replaces histidine 3621 with tyrosine.
Molecular consequence: missense variant.
Genome position (GRCh38, 1-based): chr19:38,528,342, C>T. VCF-style: chr19-38528342-C-T. GRCh37 (hg19) VCF-style: chr19-39018982-C-T.
Other names: c.10846C>T, p.His3616Tyr (NM_001042723.2); short protein forms H3616Y, H3621Y.
Identifiers: ClinVar variation 3070483 (VCV003070483.1), dbSNP rs781014006, ClinGen allele CA055131.

ClinVar aggregate classification (germline): Uncertain significance (1 of 4 stars; one submission).

Conditions:
Malignant hyperthermia, susceptibility to, 1 (MHS1). Also called: RYR1-Related Malignant Hyperthermia Susceptibility; Anesthesia related hyperthermia; Malignant hyperpyrexia; Fulminating hyperpyrexia; Pharmacogenic myopathy; Malignant hyperthermia suceptibility 1. Identifiers: Orphanet 423, MedGen C2930980, MONDO:0007783, OMIM 145600.

Allele frequency attached by ClinVar (database versions not stated): TOPMed below 0.00001; ExAC 0.00001.
gnomAD v4.1: 1 of 1,614,052 alleles (0.000062%); highest among the groups gnomAD compares: East Asian, 0.0022%; no homozygotes.

Submission:

All of Us Research Program, National Institutes of Health
Classification: Uncertain significance for Malignant hyperthermia, susceptibility to, 1. Last evaluated: 2023-04-27. Review status: criteria provided, single submitter. Criteria: ACMG Guidelines, 2015. Collection method: clinical testing. Allele origin: germline. Inheritance: Autosomal dominant inheritance. Observed: 1 variant allele, 1 heterozygote.
Comment: This study involves interpretation of variants in research participants for the purpose of population health screening. Participant phenotype was not available at the time of variant classification. Additional details can be found in publication PMID: 35346344, PMCID: PMC8962531